The following is an entry in ClinVar:

NM_000245.4(MET):c.2950G>C (p.Val984Leu)

Gene: MET (MET proto-oncogene, receptor tyrosine kinase; plus strand). Cytogenetic location: 7q31.2.
Variant type: single nucleotide variant.
Coding change: c.2950G>C on transcript NM_000245.4 (MANE Select); coding-DNA position 2950, G replaced by C.
Protein change: p.Val984Leu; replaces valine 984 with leucine.
Molecular consequence: missense variant.
Genome position (GRCh38, 1-based): chr7:116,771,911, G>C. VCF-style: chr7-116771911-G-C. GRCh37 (hg19) VCF-style: chr7-116411965-G-C.
Other names: c.3004G>C, p.Val1002Leu (NM_001127500.3); c.1660G>C, p.Val554Leu (NM_001324402.2); short protein forms V554L, V984L, V1002L.
Identifiers: ClinVar variation 1798731 (VCV001798731.2), dbSNP rs1258377870, ClinGen allele CA368987178.

ClinVar aggregate classification (germline): Uncertain significance (1 of 4 stars; one submission).

Conditions:
Hereditary cancer-predisposing syndrome. Also called: Neoplastic Syndromes, Hereditary; Tumor predisposition; Hereditary Cancer Syndrome; Hereditary neoplastic syndrome. Identifiers: Orphanet 140162, MedGen C0027672, MeSH D009386, MONDO:0015356.

Submission:

Ambry Genetics
Classification: Uncertain significance for Hereditary cancer-predisposing syndrome. Last evaluated: 2022-02-27. Review status: criteria provided, single submitter. Criteria: Ambry Variant Classification Scheme 2023. Collection method: clinical testing. Allele origin: germline.
Comment: The p.V1002L variant (also known as c.3004G>C), located in coding exon 13 of the MET gene, results from a G to C substitution at nucleotide position 3004. The valine at codon 1002 is replaced by leucine, an amino acid with highly similar properties. This amino acid position is conserved. In addition, the in silico prediction for this alteration is inconclusive. Since supporting evidence is limited at this time, the clinical significance of this alteration remains unclear.